The following is an entry in ClinVar:

NC_000019.9:g.(?_54297303)_(54307396_?)dup

Gene: NLRP12 (NLR family pyrin domain containing 12; minus strand). Cytogenetic location: 19q13.42.
Variant type: Duplication.
Identifiers: ClinVar variation 1412748 (VCV001412748.4).

ClinVar aggregate classification (germline): Uncertain significance (1 of 4 stars; one submission).

Conditions:
Familial cold autoinflammatory syndrome 2 (FCAS2). Identifiers: Orphanet 247868, MedGen C2673198, MONDO:0012724, OMIM 611762.

Submission:

Labcorp Genetics (formerly Invitae), Labcorp
Classification: Uncertain significance for Familial cold autoinflammatory syndrome 2. Last evaluated: 2023-10-03. Review status: criteria provided, single submitter. Criteria: Invitae Variant Classification Sherloc (09022015). Collection method: clinical testing. Allele origin: germline.
Comment: This variant results in a copy number gain of the genomic region encompassing exon(s) 6-10 of the NLRP12 gene. This region includes the termination codon of the gene. This copy number gain extends beyond the assayed region for this gene and therefore may encompass additional genes. As the precise location of this event is unknown, it may be in tandem or it may be located elsewhere in the genome. This variant has not been reported in the literature in individuals affected with NLRP12-related conditions. Experimental studies and prediction algorithms are not available or were not evaluated, and the functional significance of this variant is currently unknown. In summary, the available evidence is currently insufficient to determine the role of this variant in disease. Therefore, it has been classified as a Variant of Uncertain Significance.